The following is an entry in ClinVar:

ClinVar aggregate classification (germline): not provided (0 of 4 stars; one submission).

Conditions:
Hyperimmunoglobulin D with periodic fever (HIDS). Also called: HYPERIMMUNOGLOBULINEMIA D AND PERIODIC FEVER SYNDROME; Hyperimmunoglobulinemia D; Hyperimmunoglobulinemia D with periodic fever. Identifiers: Orphanet 343, MedGen C0398691, MONDO:0009849, OMIM 260920.

Submission:

Unité médicale des maladies autoinflammatoires, CHRU Montpellier
No classification provided. Condition: Hyperimmunoglobulin D with periodic fever. Review status: no classification provided. Collection method: not provided. Allele origin: unknown.
Comment: also involved in OMIM 25117

NM_000431.4(MVK):c.987C>A (p.Ser329Arg)

Gene: MVK (mevalonate kinase; plus strand). Cytogenetic location: 12q24.11.
Variant type: single nucleotide variant.
Coding change: c.987C>A on transcript NM_000431.4 (MANE Select); coding-DNA position 987, C replaced by A.
Protein change: p.Ser329Arg; replaces serine 329 with arginine.
Molecular consequence: missense variant.
Genome position (GRCh38, 1-based): chr12:109,595,129, C>A. VCF-style: chr12-109595129-C-A. GRCh37 (hg19) VCF-style: chr12-110032934-C-A.
Other names: c.987C>A, p.Ser329Arg (NM_001114185.3); c.831C>A, p.Ser277Arg (NM_001301182.2); short protein forms S329R, S277R.
Identifiers: ClinVar variation 97641 (VCV000097641.1), dbSNP rs104895326, ClinGen allele CA149938.
Genomic context (GRCh38, chr12:109,595,129, plus strand): 5'-CGTGGGCCACGCCTCTCTGGACCAGCTCTGCCAGGTGACCAGGGCCCGCGGACTTCACAG[C>A]AAGCTGACTGGCGCAGGCGGTGGTGGCTGTGGCATCACACTCCTCAAGCCAGGTATCCCG-3'
Protein context (NP_000422.1, residues 319-339): CQVTRARGLH[Ser329Arg]KLTGAGGGGC